The following is an entry in ClinVar:

NM_003640.5(ELP1):c.303+1G>A

Gene: ELP1 (elongator acetyltransferase complex subunit 1; minus strand). Cytogenetic location: 9q31.3.
Variant type: single nucleotide variant.
Coding change: c.303+1G>A on transcript NM_003640.5 (MANE Select); the canonical splice donor site of the intron after coding-DNA position 303, G replaced by A.
Molecular consequence: splice donor variant.
Genome position (GRCh38, 1-based): chr9:108,929,768, C>T on the plus strand (G>A on the coding strand, the complement: ELP1 is on the minus strand). VCF-style: chr9-108929768-C-T. GRCh37 (hg19) VCF-style: chr9-111692048-C-T.
Other names: c.-40+1G>A (NM_001318360.2); c.-557+1G>A (NM_001330749.2).
Identifiers: ClinVar variation 2715784 (VCV002715784.3), dbSNP rs1157693787, ClinGen allele CA374393478.
Genomic context (GRCh38, chr9:108,929,768, plus strand): 5'-ATAGCAAGTAACCTATTTGAGGATGCTTGAGACTCCCCCCTCACTGGAGTCTTCCACTTA[C>T]CTGTTGTGTGCTGAGACTGCAGAGTATGACGTCTCCAGAGGCTGTGGCCACACACACAGA-3'

ClinVar aggregate classification (germline): Likely pathogenic (1 of 4 stars; one submission).

Allele frequency attached by ClinVar (database versions not stated): gnomAD exomes below 0.00001.
gnomAD v4.1: 2 of 1,614,084 alleles (0.00012%); highest among the groups gnomAD compares: Non-Finnish European, 0.00017%; no homozygotes.

Submission:

Labcorp Genetics (formerly Invitae), Labcorp
Classification: Likely pathogenic. Last evaluated: 2023-11-02. Review status: criteria provided, single submitter. Criteria: Invitae Variant Classification Sherloc (09022015). Collection method: clinical testing. Allele origin: germline.
Comment: This sequence change affects a donor splice site in intron 3 of the ELP1 gene. It is expected to disrupt RNA splicing. Variants that disrupt the donor or acceptor splice site typically lead to a loss of protein function (PMID: 16199547), and loss-of-function variants in ELP1 are known to be pathogenic (PMID: 18303054, 24173031). This variant is present in population databases (no rsID available, gnomAD 0.0009%). This variant has not been reported in the literature in individuals affected with ELP1-related conditions. Algorithms developed to predict the effect of sequence changes on RNA splicing suggest that this variant may disrupt the consensus splice site. In summary, the currently available evidence indicates that the variant is pathogenic, but additional data are needed to prove that conclusively. Therefore, this variant has been classified as Likely Pathogenic.

Literature cited by the submitters: PubMed 16199547; PubMed 18303054; PubMed 24173031.